The following is an entry in ClinVar:

ClinVar aggregate classification (germline): Uncertain significance (1 of 4 stars; one submission).

Conditions:
PIEZO1-related disorder. Also called: PIEZO1-related condition; PIEZO1-Related Disorders.

gnomAD v4.1: 2 of 1,549,874 alleles (0.00013%); highest among the groups gnomAD compares: Non-Finnish European, 0.00017%; no homozygotes.

Submission:

PreventionGenetics, part of Exact Sciences
Classification: Uncertain significance for PIEZO1-related condition. Last evaluated: 2024-11-13. Review status: criteria provided, single submitter. Criteria: ACMG Guidelines, 2015. Collection method: clinical testing. Allele origin: germline.
Comment: The PIEZO1 c.5456A>G variant is predicted to result in the amino acid substitution p.Lys1819Arg. To our knowledge, this variant has not been reported in the literature or in a large population database (gnomAD), indicating this variant is rare. At this time, the clinical significance of this variant is uncertain due to the absence of conclusive functional and genetic evidence.

NM_001142864.4(PIEZO1):c.5456A>G (p.Lys1819Arg)

Gene: PIEZO1 (piezo type mechanosensitive ion channel component 1 (Er blood group); minus strand). Cytogenetic location: 16q24.3.
Variant type: single nucleotide variant.
Coding change: c.5456A>G on transcript NM_001142864.4 (MANE Select); coding-DNA position 5456, A replaced by G.
Protein change: p.Lys1819Arg; replaces lysine 1819 with arginine.
Molecular consequence: missense variant.
Genome position (GRCh38, 1-based): chr16:88,721,378, T>C on the plus strand (A>G on the coding strand, the complement: PIEZO1 is on the minus strand). VCF-style: chr16-88721378-T-C. GRCh37 (hg19) VCF-style: chr16-88787786-T-C.
Other names: short protein forms K1819R.
Identifiers: ClinVar variation 4997463 (VCV004997463.1).